The following is an entry in ClinVar:

ClinVar aggregate classification (germline): Benign/Likely benign. Review status: criteria provided, multiple submitters, no conflicts (2 of 4 stars). 3 submissions from 3 submitters: Benign (1); Likely benign (2). Last evaluated 2026-06-01.

Allele frequency attached by ClinVar (database versions not stated): 1000 Genomes Project 30x 0.00094; 1000 Genomes Project 0.00120; gnomAD 0.00124; ESP Exome Variant Server 0.00142; TOPMed 0.00196; gnomAD exomes 0.00200; ExAC 0.00299.
gnomAD v4.1: 3,323 of 1,556,240 alleles (0.21%); highest among the groups gnomAD compares: Middle Eastern, 0.5%; 5 homozygotes.

Submissions (3):

CeGaT Center for Human Genetics Tuebingen
Classification: Likely benign. Last evaluated: 2026-06-01. Review status: criteria provided, single submitter. Criteria: CeGaT Center For Human Genetics Tuebingen Variant Classification Criteria Version 2. Collection method: clinical testing. Allele origin: germline. Affected: yes. Observed: 8 variant alleles.
Comment: INTS1: BP4

Blueprint Genetics
Classification: Likely benign. Last evaluated: 2024-11-25. Review status: criteria provided, single submitter. Criteria: ACMG Guidelines, 2015. Collection method: clinical testing. Allele origin: germline.

Labcorp Genetics (formerly Invitae), Labcorp
Classification: Benign. Last evaluated: 2019-12-31. Review status: criteria provided, single submitter. Criteria: Invitae Variant Classification Sherloc (09022015). Collection method: clinical testing. Allele origin: germline.

NM_001080453.3(INTS1):c.350-7C>T

Gene: INTS1 (integrator complex subunit 1; minus strand). Cytogenetic location: 7p22.3.
Variant type: single nucleotide variant.
Coding change: c.350-7C>T on transcript NM_001080453.3 (MANE Select); 7 bases into the intron before coding-DNA position 350, C replaced by T.
Molecular consequence: intron variant.
Genome position (GRCh38, 1-based): chr7:1,500,373, G>A on the plus strand (C>T on the coding strand, the complement: INTS1 is on the minus strand). VCF-style: chr7-1500373-G-A. GRCh37 (hg19) VCF-style: chr7-1540009-G-A.
Identifiers: ClinVar variation 713328 (VCV000713328.30), dbSNP rs146006547, ClinGen allele CA4120805.